The following is an entry in ClinVar:

ClinVar aggregate classification (germline): Pathogenic (1 of 4 stars; one submission).

Conditions:
Basal cell nevus syndrome 1 (BCNS1). Also called: GORLIN-GOLTZ SYNDROME; MULTIPLE BASAL CELL NEVI, ODONTOGENIC KERATOCYSTS, AND SKELETAL ANOMALIES. Identifiers: MedGen CN376810, MONDO:0958174, OMIM 109400.

Submission:

MVZ Medizinische Genetik Mainz
Classification: Pathogenic for Basal cell nevus syndrome 1. Last evaluated: 2026-04-29. Review status: criteria provided, single submitter. Criteria: UK Practice Guidelines For Variant Classification V4 01 2020. Collection method: clinical testing. Allele origin: germline. Inheritance: Autosomal dominant inheritance. Affected: yes. Observed: 1 variant allele.
Comment: ACMG Criteria: PVS1,PM2_SUP_MOD,PM5_SUP

NM_000264.5(PTCH1):c.2843G>A (p.Trp948Ter)

Gene: PTCH1 (patched 1; minus strand). Cytogenetic location: 9q22.32.
Variant type: single nucleotide variant.
Coding change: c.2843G>A on transcript NM_000264.5 (MANE Select); coding-DNA position 2843, G replaced by A.
Protein change: p.Trp948Ter; replaces tryptophan 948 with a stop codon.
Molecular consequence: nonsense. On other transcripts: non-coding transcript variant (1).
Genome position (GRCh38, 1-based): chr9:95,459,644, C>T on the plus strand (G>A on the coding strand, the complement: PTCH1 is on the minus strand). VCF-style: chr9-95459644-C-T. GRCh37 (hg19) VCF-style: chr9-98221926-C-T.
Other names: c.2645G>A, p.Trp882Ter (NM_001083602.3); c.2840G>A, p.Trp947Ter (NM_001083603.3); c.2390G>A, p.Trp797Ter (NM_001083604.3, NM_001083605.3, NM_001083606.3 and 1 more transcripts); c.2687G>A, p.Trp896Ter (NM_001354918.2); short protein forms W797*, W882*, W896*, W947*, W948*.
Identifiers: ClinVar variation 4852392 (VCV004852392.1).